The following is an entry in ClinVar:

ClinVar aggregate classification (germline): Pathogenic (1 of 4 stars; one submission).

Conditions:
Hereditary breast ovarian cancer syndrome. Also called: BRCA1- and BRCA2-Associated Hereditary Breast and Ovarian Cancer; Breast and ovarian cancer; Hereditary breast and ovarian cancer syndrome; Hereditary breast and ovarian cancer syndrome (HBOC); Hereditary breast and/or ovarian cancer syndrome; Hereditary breast and ovarian cancer. Identifiers: Orphanet 145, MedGen C0677776, MeSH D061325, MONDO:0003582. Disease mechanism: loss of function.

Submission:

Labcorp Genetics (formerly Invitae), Labcorp
Classification: Pathogenic for Hereditary breast ovarian cancer syndrome. Last evaluated: 2025-03-25. Review status: criteria provided, single submitter. Criteria: Invitae Variant Classification Sherloc (09022015). Collection method: clinical testing. Allele origin: germline.
Comment: This sequence change creates a premature translational stop signal (p.Met1029Cysfs*14) in the BRCA2 gene. It is expected to result in an absent or disrupted protein product. Loss-of-function variants in BRCA2 are known to be pathogenic (PMID: 20104584). This variant is not present in population databases (gnomAD no frequency). This variant has not been reported in the literature in individuals affected with BRCA2-related conditions. For these reasons, this variant has been classified as Pathogenic.

Literature cited by the submitters: PubMed 20104584.

NM_000059.4(BRCA2):c.3085del (p.Met1029fs)

Gene: BRCA2 (BRCA2 DNA repair associated; plus strand). Cytogenetic location: 13q13.1.
Variant type: Deletion.
Coding change: c.3085del on transcript NM_000059.4 (MANE Select); coding-DNA position 3085, one base deleted (A; older notation c.3085delA).
Protein change: p.Met1029fs; shifts the reading frame from methionine 1029.
Molecular consequence: frameshift variant. On other transcripts: non-coding transcript variant (1), intron variant (2).
Genome position (GRCh38, 1-based): chr13:32,337,440, A deleted; the last of 4 consecutive A bases (chr13:32,337,437-32,337,440); deleting any one gives the same sequence. VCF-style (leftmost placement, unchanged base first): chr13-32337436-CA-C. GRCh37 (hg19) VCF-style: chr13-32911573-CA-C.
Other names: c.3085del, p.Met1029fs (NM_001406719.1, NM_001406720.1, NM_001432077.1); c.1909+4053del (NM_001406721.1); c.424+6410del (NM_001406722.1); short protein forms M1029fs.
Identifiers: ClinVar variation 4715882 (VCV004715882.1).
Genomic context (GRCh38, chr13:32,337,436, plus strand): 5'-TAGCTTCAGAACAGCTTCAAATAAGGAAATCAAGCTCTCTGAACATAACATTAAGAAGAG[CA>C]AAATGTTCTTCAAAGATATTGAAGAACAATATCCTACTAGTTTAGCTTGTGTTGAAATTG-3'